The following is an entry in ClinVar:

NM_000053.4(ATP7B):c.*1708A>G

Genes: TMEM272 (transmembrane protein 272; minus strand), ATP7B (ATPase copper transporting beta; minus strand). Cytogenetic location: 13q14.3.
Variant type: single nucleotide variant.
Coding change: c.*1708A>G on transcript NM_000053.4 (MANE Select); 1708 bases downstream of the stop codon, A replaced by G.
Molecular consequence: 3 prime UTR variant.
Genome position (GRCh38, 1-based): chr13:51,933,048, T>C on the plus strand (A>G on the coding strand, the complement: ATP7B is on the minus strand). VCF-style: chr13-51933048-T-C. GRCh37 (hg19) VCF-style: chr13-52507184-T-C.
Other names: c.*1708A>G (NM_001005918.3, NM_001243182.2, NM_001330578.2 and 1 more transcripts).
Identifiers: ClinVar variation 312346 (VCV000312346.6), dbSNP rs17076111, ClinGen allele CA10644714.

ClinVar aggregate classification (germline): Benign. Review status: criteria provided, multiple submitters, no conflicts (2 of 4 stars). 2 submissions from 2 submitters: Benign (2). Last evaluated 2018-01-12.

Conditions:
Wilson disease (WND). Also called: Wilson's disease. Identifiers: Orphanet 905, MedGen C0019202, MONDO:0010200, OMIM 277900. Disease mechanism: loss of function.

Allele frequency attached by ClinVar (database versions not stated): TOPMed 0.03789; 1000 Genomes Project 0.04113; 1000 Genomes Project 30x 0.04403; gnomAD 0.03380 and 0.03588.

Submissions (2):

Illumina Laboratory Services, Illumina
Classification: Benign for Wilson disease. Last evaluated: 2018-01-12. Review status: criteria provided, single submitter. Criteria: ICSL Variant Classification Criteria 13 December 2019. Collection method: clinical testing. Allele origin: germline.
Comment: This variant was observed in the ICSL laboratory as part of a predisposition screen in an ostensibly healthy population. It had not been previously curated by ICSL or reported in the Human Gene Mutation Database (HGMD: prior to June 1st, 2018), and was therefore a candidate for classification through an automated scoring system. Utilizing variant allele frequency, disease prevalence and penetrance estimates, and inheritance mode, an automated score was calculated to assess if this variant is too frequent to cause the disease. Based on the score and internal cut-off values, a variant classified as benign is not then subjected to further curation. The score for this variant resulted in a classification of benign for this disease.

Breakthrough Genomics
Classification: Benign. Review status: criteria provided, single submitter. Criteria: ACMG Guidelines, 2015. Collection method: not provided. Allele origin: germline. Inheritance: Autosomal recessive inheritance. Affected: yes.